The following is an entry in ClinVar:

NM_002473.6(MYH9):c.3942+6G>T

Gene: MYH9 (myosin heavy chain 9; minus strand). Cytogenetic location: 22q12.3.
Variant type: single nucleotide variant.
Coding change: c.3942+6G>T on transcript NM_002473.6 (MANE Select); 6 bases into the intron after coding-DNA position 3942, G replaced by T.
Molecular consequence: intron variant.
Genome position (GRCh38, 1-based): chr22:36,293,753, C>A on the plus strand (G>T on the coding strand, the complement: MYH9 is on the minus strand). VCF-style: chr22-36293753-C-A. GRCh37 (hg19) VCF-style: chr22-36689799-C-A.
Identifiers: ClinVar variation 3612028 (VCV003612028.2).

ClinVar aggregate classification (germline): Uncertain significance (1 of 4 stars; one submission).

gnomAD v4.1: 10 of 1,613,198 alleles (0.00062%); highest among the groups gnomAD compares: Non-Finnish European, 0.00051%; no homozygotes.

Submission:

Labcorp Genetics (formerly Invitae), Labcorp
Classification: Uncertain significance. Last evaluated: 2024-04-16. Review status: criteria provided, single submitter. Criteria: Invitae Variant Classification Sherloc (09022015). Collection method: clinical testing. Allele origin: germline.
Comment: This sequence change falls in intron 29 of the MYH9 gene. It does not directly change the encoded amino acid sequence of the MYH9 protein. It affects a nucleotide within the consensus splice site. This variant is present in population databases (no rsID available, gnomAD 0.0009%). This variant has not been reported in the literature in individuals affected with MYH9-related conditions. Variants that disrupt the consensus splice site are a relatively common cause of aberrant splicing (PMID: 17576681, 9536098). Algorithms developed to predict the effect of sequence changes on RNA splicing suggest that this variant is not likely to affect RNA splicing. In summary, the available evidence is currently insufficient to determine the role of this variant in disease. Therefore, it has been classified as a Variant of Uncertain Significance.

Literature cited by the submitters: PubMed 17576681; PubMed 9536098.